The following is an entry in ClinVar:

ClinVar aggregate classification (germline): Uncertain significance (1 of 4 stars; one submission).

Conditions:
Aortic aneurysm, familial thoracic 4 (AAT4). Also called: AORTIC ANEURYSM/AORTIC DISSECTION AND PATENT DUCTUS ARTERIOSUS. Identifiers: MedGen C1851504, MONDO:0007568, OMIM 132900.

Allele frequency attached by ClinVar (database versions not stated): gnomAD exomes below 0.00001; TOPMed below 0.00001; ExAC 0.00001.
gnomAD v4.1: 4 of 1,614,058 alleles (0.00025%); highest among the groups gnomAD compares: South Asian, 0.0033%; no homozygotes.

Submission:

Labcorp Genetics (formerly Invitae), Labcorp
Classification: Uncertain significance for Aortic aneurysm, familial thoracic 4. Last evaluated: 2022-07-19. Review status: criteria provided, single submitter. Criteria: Invitae Variant Classification Sherloc (09022015). Collection method: clinical testing. Allele origin: germline.
Comment: ClinVar contains an entry for this variant (Variation ID: 1441813). This variant has not been reported in the literature in individuals affected with MYH11-related conditions. This variant is present in population databases (rs778352596, gnomAD 0.003%). This sequence change replaces valine, which is neutral and non-polar, with alanine, which is neutral and non-polar, at codon 16 of the MYH11 protein (p.Val16Ala). Algorithms developed to predict the effect of missense changes on protein structure and function are either unavailable or do not agree on the potential impact of this missense change (SIFT: "Deleterious"; PolyPhen-2: "Benign"; Align-GVGD: "Class C0"). In summary, the available evidence is currently insufficient to determine the role of this variant in disease. Therefore, it has been classified as a Variant of Uncertain Significance.

NM_002474.3(MYH11):c.47T>C (p.Val16Ala)

Gene: MYH11 (myosin heavy chain 11; minus strand). Cytogenetic location: 16p13.11.
Variant type: single nucleotide variant.
Coding change: c.47T>C on transcript NM_002474.3 (MANE Select); coding-DNA position 47, T replaced by C.
Protein change: p.Val16Ala; replaces valine 16 with alanine.
Molecular consequence: missense variant.
Genome position (GRCh38, 1-based): chr16:15,838,206, A>G on the plus strand (T>C on the coding strand, the complement: MYH11 is on the minus strand). VCF-style: chr16-15838206-A-G. GRCh37 (hg19) VCF-style: chr16-15932063-A-G.
Other names: c.47T>C, p.Val16Ala (NM_001040113.2, NM_001040114.2, NM_022844.3); short protein forms V16A.
Identifiers: ClinVar variation 1441813 (VCV001441813.8), dbSNP rs778352596, ClinGen allele CA7923129.